The following is an entry in ClinVar:

NM_000051.4(ATM):c.5156A>T (p.Asn1719Ile)

Gene: ATM (ATM serine/threonine kinase; plus strand). Cytogenetic location: 11q22.3.
Variant type: single nucleotide variant.
Coding change: c.5156A>T on transcript NM_000051.4 (MANE Select); coding-DNA position 5156, A replaced by T.
Protein change: p.Asn1719Ile; replaces asparagine 1719 with isoleucine.
Molecular consequence: missense variant.
Genome position (GRCh38, 1-based): chr11:108,299,864, A>T. VCF-style: chr11-108299864-A-T. GRCh37 (hg19) VCF-style: chr11-108170591-A-T.
Other names: c.5156A>T, p.Asn1719Ile (NM_001351834.2); short protein forms N1719I.
Identifiers: ClinVar variation 1745691 (VCV001745691.2), dbSNP rs183531638, ClinGen allele CA382541084.

ClinVar aggregate classification (germline): Uncertain significance (1 of 4 stars; one submission).

Conditions:
Hereditary cancer-predisposing syndrome. Also called: Hereditary Cancer Syndrome; Neoplastic Syndromes, Hereditary; Tumor predisposition; Hereditary neoplastic syndrome. Identifiers: Orphanet 140162, MedGen C0027672, MeSH D009386, MONDO:0015356.

Submission:

Ambry Genetics
Classification: Uncertain significance for Hereditary cancer-predisposing syndrome. Last evaluated: 2021-05-24. Review status: criteria provided, single submitter. Criteria: Ambry Variant Classification Scheme 2023. Collection method: clinical testing. Allele origin: germline.
Comment: The p.N1719I variant (also known as c.5156A>T), located in coding exon 33 of the ATM gene, results from an A to T substitution at nucleotide position 5156. The asparagine at codon 1719 is replaced by isoleucine, an amino acid with dissimilar properties. This amino acid position is well conserved in available vertebrate species. In addition, this alteration is predicted to be deleterious by in silico analysis. Since supporting evidence is limited at this time, the clinical significance of this alteration remains unclear.